The following is an entry in ClinVar:

ClinVar aggregate classification (germline): Uncertain significance. Review status: criteria provided, multiple submitters, no conflicts (2 of 4 stars). 6 submissions from 5 submitters: Uncertain significance (6). Last evaluated 2025-01-06.

Conditions:
Retinitis pigmentosa 39 (RP39). Identifiers: Orphanet 791, MedGen C3151138, MONDO:0013436, OMIM 613809.
Usher syndrome type 2A. Also called: RETINAL DISEASE IN USHER SYNDROME TYPE IIA, MODIFIER OF; USHER SYNDROME, TYPE IIA. Identifiers: Orphanet 231178, Orphanet 886, MedGen C1848634, MONDO:0010169, OMIM 276901.

Allele frequency attached by ClinVar (database versions not stated): gnomAD exomes below 0.00001 and 0.00001; gnomAD 0.00001; TOPMed 0.00001.
gnomAD v4.1: 8 of 1,614,054 alleles (0.0005%); highest among the groups gnomAD compares: Non-Finnish European, 0.00051%; no homozygotes.

Submissions (6):

Labcorp Genetics (formerly Invitae), Labcorp
Classification: Uncertain significance. Last evaluated: 2025-01-06. Review status: criteria provided, single submitter. Criteria: Invitae Variant Classification Sherloc (09022015). Collection method: clinical testing. Allele origin: germline.
Comment: This sequence change replaces glutamic acid, which is acidic and polar, with glycine, which is neutral and non-polar, at codon 4321 of the USH2A protein (p.Glu4321Gly). This variant is present in population databases (no rsID available, gnomAD 0.0009%). This variant has not been reported in the literature in individuals affected with USH2A-related conditions. ClinVar contains an entry for this variant (Variation ID: 1493593). Invitae Evidence Modeling of protein sequence and biophysical properties (such as structural, functional, and spatial information, amino acid conservation, physicochemical variation, residue mobility, and thermodynamic stability) indicates that this missense variant is not expected to disrupt USH2A protein function with a negative predictive value of 95%. In summary, the available evidence is currently insufficient to determine the role of this variant in disease. Therefore, it has been classified as a Variant of Uncertain Significance.

Department of Pathology and Laboratory Medicine, Sinai Health System
Classification: Uncertain significance for Usher syndrome type 2A; Retinitis pigmentosa 39. Last evaluated: 2023-11-09. Review status: criteria provided, single submitter. Criteria: ACMG Guidelines, 2015. Collection method: research. Allele origin: germline.

Genome-Nilou Lab
Classification: Uncertain significance for Retinitis pigmentosa 39. Last evaluated: 2023-11-04. Review status: criteria provided, single submitter. Criteria: ACMG Guidelines, 2015. Collection method: clinical testing. Allele origin: germline. Affected: no.

Genome-Nilou Lab
Classification: Uncertain significance for Usher syndrome type 2A. Last evaluated: 2023-11-04. Review status: criteria provided, single submitter. Criteria: ACMG Guidelines, 2015. Collection method: clinical testing. Allele origin: germline. Affected: no.

GeneDx
Classification: Uncertain significance. Last evaluated: 2022-12-01. Review status: criteria provided, single submitter. Criteria: GeneDx Variant Classification Process June 2021. Collection method: clinical testing. Allele origin: germline. Affected: yes.
Comment: Not observed at significant frequency in large population cohorts (gnomAD); In silico analysis supports that this missense variant does not alter protein structure/function; Has not been previously published as pathogenic or benign to our knowledge

Blueprint Genetics
Classification: Uncertain significance. Last evaluated: 2022-05-10. Review status: criteria provided, single submitter. Criteria: ACMG Guidelines, 2015. Collection method: clinical testing. Allele origin: germline.

NM_206933.4(USH2A):c.12962A>G (p.Glu4321Gly)

Gene: USH2A (usherin; minus strand). Cytogenetic location: 1q41.
Variant type: single nucleotide variant.
Coding change: c.12962A>G on transcript NM_206933.4 (MANE Select); coding-DNA position 12962, A replaced by G.
Protein change: p.Glu4321Gly; replaces glutamic acid 4321 with glycine.
Molecular consequence: missense variant.
Genome position (GRCh38, 1-based): chr1:215,674,949, T>C on the plus strand (A>G on the coding strand, the complement: USH2A is on the minus strand). VCF-style: chr1-215674949-T-C. GRCh37 (hg19) VCF-style: chr1-215848291-T-C.
Other names: c.12962A>G (NM_206933.2); short protein forms E4321G.
Identifiers: ClinVar variation 1493593 (VCV001493593.8), dbSNP rs936692193, ClinGen allele CA37412815.